The following is an entry in ClinVar:

ClinVar aggregate classification (germline): Uncertain significance. Review status: criteria provided, single submitter (1 of 4 stars). 2 submissions from 2 submitters: Uncertain significance (1). 1 of the submissions does not count toward it. Last evaluated 2025-09-29.

Conditions:
LMTK3-related disorder. Also called: LMTK3-related condition.

Submissions (2):

Ambry Genetics
Classification: Uncertain significance. Last evaluated: 2025-09-29. Review status: criteria provided, single submitter. Criteria: Ambry Variant Classification Scheme 2023. Collection method: clinical testing. Allele origin: germline.

PreventionGenetics, part of Exact Sciences
Classification: Uncertain significance for LMTK3-related condition. Last evaluated: 2024-05-17. Review status: no assertion criteria provided. Collection method: clinical testing. Allele origin: germline. Not counted in ClinVar's aggregate classification.
Comment: The LMTK3 c.4410G>C variant is predicted to result in the amino acid substitution p.Glu1470Asp. To our knowledge, this variant has not been reported in the literature or in a large population database, indicating this variant is rare. At this time, the clinical significance of this variant is uncertain due to the absence of conclusive functional and genetic evidence.

NM_001388485.1(LMTK3):c.4323G>C (p.Glu1441Asp)

Genes: LMTK3 (lemur tyrosine kinase 3; minus strand), LOC130064860 (ATAC-STARR-seq lymphoblastoid silent region 10882; plus strand). Cytogenetic location: 19q13.33.
Variant type: single nucleotide variant.
Coding change: c.4323G>C on transcript NM_001388485.1 (MANE Select); coding-DNA position 4323, G replaced by C.
Protein change: p.Glu1441Asp; replaces glutamic acid 1441 with aspartic acid.
Molecular consequence: missense variant.
Genome position (GRCh38, 1-based): chr19:48,491,151, C>G on the plus strand (G>C on the coding strand, the complement: LMTK3 is on the minus strand). VCF-style: chr19-48491151-C-G. GRCh37 (hg19) VCF-style: chr19-48994408-C-G.
Other names: c.4323G>C, p.Glu1441Asp (NM_001080434.2); short protein forms E1441D.
Identifiers: ClinVar variation 3347448 (VCV003347448.2).